The following is an entry in ClinVar:

ClinVar aggregate classification (germline): Benign/Likely benign. Review status: criteria provided, multiple submitters, no conflicts (2 of 4 stars). 3 submissions from 3 submitters: Benign (1); Likely benign (2). Last evaluated 2026-01-28.

Conditions:
Weill-Marchesani syndrome. Also called: WM Syndrome; Mesodermal dysmorphodystrophy congenital. Identifiers: Orphanet 3449, MedGen C0265313, MONDO:0018096.

Allele frequency attached by ClinVar (database versions not stated): gnomAD exomes 0.00011 and 0.00036; 1000 Genomes Project 30x 0.00312; ExAC 0.00043; TOPMed 0.00131; ESP Exome Variant Server 0.00132; gnomAD 0.00132 and 0.00142; 1000 Genomes Project 0.00280.
gnomAD v4.1: 377 of 1,613,614 alleles (0.023%); highest among the groups gnomAD compares: African/African-American, 0.45%; 2 homozygotes.

Submissions (3):

Labcorp Genetics (formerly Invitae), Labcorp
Classification: Benign. Last evaluated: 2026-01-28. Review status: criteria provided, single submitter. Criteria: Invitae Variant Classification Sherloc (09022015). Collection method: clinical testing. Allele origin: germline.

Blueprint Genetics
Classification: Likely benign. Last evaluated: 2024-08-28. Review status: criteria provided, single submitter. Criteria: ACMG Guidelines, 2015. Collection method: clinical testing. Allele origin: germline.

Illumina Laboratory Services, Illumina
Classification: Likely benign for Weill-Marchesani syndrome. Last evaluated: 2018-01-12. Review status: criteria provided, single submitter. Criteria: ICSL Variant Classification Criteria 13 December 2019. Collection method: clinical testing. Allele origin: germline.
Comment: This variant was observed in the ICSL laboratory as part of a predisposition screen in an ostensibly healthy population. It had not been previously curated by ICSL or reported in the Human Gene Mutation Database (HGMD: prior to June 1st, 2018), and was therefore a candidate for classification through an automated scoring system. Utilizing variant allele frequency, disease prevalence and penetrance estimates, and inheritance mode, an automated score was calculated to assess if this variant is too frequent to cause the disease. Based on the score and internal cut-off values, a variant classified as likely benign is not then subjected to further curation. The score for this variant resulted in a classification of likely benign for this disease.

NM_030957.4(ADAMTS10):c.1588-11C>T

Gene: ADAMTS10 (ADAM metallopeptidase with thrombospondin type 1 motif 10; minus strand). Cytogenetic location: 19p13.2.
Variant type: single nucleotide variant.
Coding change: c.1588-11C>T on transcript NM_030957.4 (MANE Select); 11 bases into the intron before coding-DNA position 1588, C replaced by T.
Molecular consequence: intron variant. On other transcripts: missense variant (1).
Genome position (GRCh38, 1-based): chr19:8,592,114, G>A on the plus strand (C>T on the coding strand, the complement: ADAMTS10 is on the minus strand). VCF-style: chr19-8592114-G-A. GRCh37 (hg19) VCF-style: chr19-8656998-G-A.
Other names: c.49C>T, p.Pro17Ser (NM_001282352.2); short protein forms P17S.
Identifiers: ClinVar variation 892835 (VCV000892835.12), dbSNP rs112970413, ClinGen allele CA9160429.
Genomic context (GRCh38, chr19:8,592,114, plus strand): 5'-ACACCCTCTGGGCGCGACCCAAAGGGGACACAGACCCGTTTGTAGCACCACTGGGTGGGG[G>A]GAGACAGGAAGGAGTGAGTCCAGCCCGGAGGACACTCGTCGGCCCCATGCACCGTTCCCC-3'